The following is an entry in ClinVar:

ClinVar aggregate classification (germline): Pathogenic (1 of 4 stars; one submission).

Allele frequency attached by ClinVar (database versions not stated): gnomAD 0.00001; gnomAD exomes 0.00001.

Submission:

Labcorp Genetics (formerly Invitae), Labcorp
Classification: Pathogenic. Last evaluated: 2023-09-30. Review status: criteria provided, single submitter. Criteria: Invitae Variant Classification Sherloc (09022015). Collection method: clinical testing. Allele origin: germline.
Comment: This sequence change creates a premature translational stop signal (p.Gln810*) in the TET2 gene. It is expected to result in an absent or disrupted protein product. Loss-of-function variants in TET2 are known to be pathogenic (PMID: 36066697). The frequency data for this variant in the population databases is considered unreliable, as metrics indicate poor data quality at this position in the gnomAD database. This variant has not been reported in the literature in individuals affected with TET2-related conditions. For these reasons, this variant has been classified as Pathogenic.

Literature cited by the submitters: PubMed 36066697.

NM_001127208.3(TET2):c.2428C>T (p.Gln810Ter)

Genes: TET2 (tet methylcytosine dioxygenase 2; plus strand), TET2-AS1 (TET2 antisense RNA 1; minus strand). Cytogenetic location: 4q24.
Variant type: single nucleotide variant.
Coding change: c.2428C>T on transcript NM_001127208.3 (MANE Select); coding-DNA position 2428, C replaced by T.
Protein change: p.Gln810Ter; replaces glutamine 810 with a stop codon.
Molecular consequence: nonsense.
Genome position (GRCh38, 1-based): chr4:105,236,370, C>T. VCF-style: chr4-105236370-C-T. GRCh37 (hg19) VCF-style: chr4-106157527-C-T.
Other names: c.2428C>T, p.Gln810Ter (NM_017628.4); short protein forms Q810*.
Identifiers: ClinVar variation 2709096 (VCV002709096.3), dbSNP rs1386986367, ClinGen allele CA357798982.